The following is an entry in ClinVar:

ClinVar aggregate classification (germline): Uncertain significance (1 of 4 stars; one submission).

Allele frequency attached by ClinVar (database versions not stated): gnomAD 0.00001; TOPMed 0.00002; gnomAD exomes 0.00005 and 0.00014; ExAC 0.00035.
gnomAD v4.1: 81 of 1,527,816 alleles (0.0053%); highest among the groups gnomAD compares: South Asian, 0.042%; 1 homozygote.

Submission:

Labcorp Genetics (formerly Invitae), Labcorp
Classification: Uncertain significance. Last evaluated: 2025-03-17. Review status: criteria provided, single submitter. Criteria: Invitae Variant Classification Sherloc (09022015). Collection method: clinical testing. Allele origin: germline.
Comment: The RIN2 gene has multiple clinically relevant transcripts. This variant occurs in alternate transcript NM_001242581.1, and corresponds to NM_018993.3:c.-2826C>T in the primary transcript. This sequence change replaces threonine, which is neutral and polar, with isoleucine, which is neutral and non-polar, at codon 36 of the RIN2 protein (p.Thr36Ile). This variant is present in population databases (rs750327856, gnomAD 0.09%). This variant has not been reported in the literature in individuals affected with RIN2-related conditions. An algorithm developed to predict the effect of missense changes on protein structure and function outputs the following: PolyPhen-2: "Not Available". The isoleucine amino acid residue is found in multiple mammalian species, which suggests that this missense change does not adversely affect protein function. In summary, the available evidence is currently insufficient to determine the role of this variant in disease. Therefore, it has been classified as a Variant of Uncertain Significance.

NM_018993.4(RIN2):c.-36-2790C>T

Gene: RIN2 (Ras and Rab interactor 2; plus strand). Cytogenetic location: 20p11.23.
Variant type: single nucleotide variant.
Coding change: c.-36-2790C>T on transcript NM_018993.4 (MANE Select); 2790 bases into the intron before 36 bases upstream of the start codon, C replaced by T.
Molecular consequence: intron variant. On other transcripts: missense variant (1).
Genome position (GRCh38, 1-based): chr20:19,886,776, C>T. VCF-style: chr20-19886776-C-T. GRCh37 (hg19) VCF-style: chr20-19867420-C-T.
Other names: c.107C>T, p.Thr36Ile (NM_001242581.2); c.-581-2790C>T (NM_001378238.1); short protein forms T36I.
Identifiers: ClinVar variation 1461179 (VCV001461179.4), dbSNP rs750327856, ClinGen allele CA9779663.